The following is an entry in ClinVar:

ClinVar aggregate classification (germline): Uncertain significance (1 of 4 stars; one submission).

Conditions:
Hereditary cancer-predisposing syndrome. Also called: Neoplastic Syndromes, Hereditary; Tumor predisposition; Hereditary neoplastic syndrome; Hereditary Cancer Syndrome. Identifiers: Orphanet 140162, MedGen C0027672, MeSH D009386, MONDO:0015356.

Submission:

Ambry Genetics
Classification: Uncertain significance for Hereditary cancer-predisposing syndrome. Last evaluated: 2023-11-18. Review status: criteria provided, single submitter. Criteria: Ambry Variant Classification Scheme 2023. Collection method: clinical testing. Allele origin: germline.
Comment: The p.L166F variant (also known as c.496C>T), located in coding exon 5 of the FANCC gene, results from a C to T substitution at nucleotide position 496. The leucine at codon 166 is replaced by phenylalanine, an amino acid with highly similar properties. This amino acid position is well conserved in available vertebrate species. In addition, this alteration is predicted to be tolerated by in silico analysis. Since supporting evidence is limited at this time, the clinical significance of this alteration remains unclear.

NM_000136.3(FANCC):c.496C>T (p.Leu166Phe)

Gene: FANCC (FA complementation group C; minus strand). Cytogenetic location: 9q22.32.
Variant type: single nucleotide variant.
Coding change: c.496C>T on transcript NM_000136.3 (MANE Select); coding-DNA position 496, C replaced by T.
Protein change: p.Leu166Phe; replaces leucine 166 with phenylalanine.
Molecular consequence: missense variant.
Genome position (GRCh38, 1-based): chr9:95,171,104, G>A on the plus strand (C>T on the coding strand, the complement: FANCC is on the minus strand). VCF-style: chr9-95171104-G-A. GRCh37 (hg19) VCF-style: chr9-97933386-G-A.
Other names: c.496C>T, p.Leu166Phe (NM_001243743.2, NM_001243744.2); short protein forms L166F.
Identifiers: ClinVar variation 825333 (VCV000825333.4), dbSNP rs1588218514, ClinGen allele CA374338592.